The following is an entry in ClinVar:

ClinVar aggregate classification (germline): Uncertain significance (1 of 4 stars; one submission).

Submission:

Labcorp Genetics (formerly Invitae), Labcorp
Classification: Uncertain significance. Last evaluated: 2023-06-14. Review status: criteria provided, single submitter. Criteria: Invitae Variant Classification Sherloc (09022015). Collection method: clinical testing. Allele origin: germline.
Comment: This variant is not present in population databases (gnomAD no frequency). This sequence change replaces phenylalanine, which is neutral and non-polar, with leucine, which is neutral and non-polar, at codon 400 of the DMXL2 protein (p.Phe400Leu). This variant has not been reported in the literature in individuals affected with DMXL2-related conditions. An algorithm developed to predict the effect of missense changes on protein structure and function (PolyPhen-2) suggests that this variant is likely to be disruptive. In summary, the available evidence is currently insufficient to determine the role of this variant in disease. Therefore, it has been classified as a Variant of Uncertain Significance.

NM_001378457.1(DMXL2):c.1198T>C (p.Phe400Leu)

Gene: DMXL2 (Dmx like 2; minus strand). Cytogenetic location: 15q21.2.
Variant type: single nucleotide variant.
Coding change: c.1198T>C on transcript NM_001378457.1 (MANE Select); coding-DNA position 1198, T replaced by C.
Protein change: p.Phe400Leu; replaces phenylalanine 400 with leucine.
Molecular consequence: missense variant. On other transcripts: non-coding transcript variant (2), intron variant (1).
Genome position (GRCh38, 1-based): chr15:51,538,360, A>G on the plus strand (T>C on the coding strand, the complement: DMXL2 is on the minus strand). VCF-style: chr15-51538360-A-G. GRCh37 (hg19) VCF-style: chr15-51830557-A-G.
Other names: c.1198T>C, p.Phe400Leu (NM_001174116.3, NM_001174117.3, NM_001378458.1 and 6 more transcripts); c.1106-601T>C (NM_001378464.1); short protein forms F400L.
Identifiers: ClinVar variation 2713688 (VCV002713688.3), dbSNP rs2548614824, ClinGen allele CA392468185.